The following is an entry in ClinVar:

NM_002180.3(IGHMBP2):c.730T>G (p.Ser244Ala)

Gene: IGHMBP2 (immunoglobulin mu DNA binding protein 2; plus strand). Cytogenetic location: 11q13.3.
Variant type: single nucleotide variant.
Coding change: c.730T>G on transcript NM_002180.3 (MANE Select); coding-DNA position 730, T replaced by G.
Protein change: p.Ser244Ala; replaces serine 244 with alanine.
Molecular consequence: missense variant.
Genome position (GRCh38, 1-based): chr11:68,914,841, T>G. VCF-style: chr11-68914841-T-G. GRCh37 (hg19) VCF-style: chr11-68682309-T-G.
Other names: short protein forms S244A.
Identifiers: ClinVar variation 1062331 (VCV001062331.6), dbSNP rs775600808, ClinGen allele CA6153384.

ClinVar aggregate classification (germline): Uncertain significance (1 of 4 stars; one submission).

Conditions:
Autosomal recessive distal spinal muscular atrophy 1. Also called: Spinal muscular atrophy with respiratory distress 1; NEURONOPATHY, DISTAL HEREDITARY MOTOR, HARDING TYPE VI; NEUROPATHY, DISTAL HEREDITARY MOTOR, AUTOSOMAL RECESSIVE 1; NEURONOPATHY, SEVERE INFANTILE AXONAL, WITH RESPIRATORY FAILURE; HMN VI; SEVERE INFANTILE AXONAL NEUROPATHY WITH RESPIRATORY FAILURE. Identifiers: Orphanet 98920, MedGen C1858517, MONDO:0011436, OMIM 604320.
Charcot-Marie-Tooth disease axonal type 2S. Also called: CHARCOT-MARIE-TOOTH DISEASE, AXONAL, AUTOSOMAL RECESSIVE, TYPE 2S; CHARCOT-MARIE-TOOTH NEUROPATHY, TYPE 2S. Identifiers: Orphanet 443073, MedGen C4015349, MONDO:0014511, OMIM 616155.

Allele frequency attached by ClinVar (database versions not stated): gnomAD exomes below 0.00001 and 0.00001; ExAC 0.00001.
gnomAD v4.1: 14 of 1,614,246 alleles (0.00087%); highest among the groups gnomAD compares: Non-Finnish European, 0.001%; no homozygotes.

Submission:

Labcorp Genetics (formerly Invitae), Labcorp
Classification: Uncertain significance for Autosomal recessive distal spinal muscular atrophy 1; Charcot-Marie-Tooth disease axonal type 2S. Last evaluated: 2021-09-01. Review status: criteria provided, single submitter. Criteria: Invitae Variant Classification Sherloc (09022015). Collection method: clinical testing. Allele origin: germline.
Comment: This sequence change replaces serine with alanine at codon 244 of the IGHMBP2 protein (p.Ser244Ala). The serine residue is moderately conserved and there is a moderate physicochemical difference between serine and alanine. This variant is present in population databases (rs775600808, ExAC 0.002%). This variant has not been reported in the literature in individuals affected with IGHMBP2-related conditions. Algorithms developed to predict the effect of missense changes on protein structure and function are either unavailable or do not agree on the potential impact of this missense change (SIFT: "Deleterious"; PolyPhen-2: "Probably Damaging"; Align-GVGD: "Class C0"). In summary, the available evidence is currently insufficient to determine the role of this variant in disease. Therefore, it has been classified as a Variant of Uncertain Significance.